The following is an entry in ClinVar:

ClinVar aggregate classification (germline): Uncertain significance. Review status: criteria provided, multiple submitters, no conflicts (2 of 4 stars). 3 submissions from 3 submitters: Uncertain significance (3). Last evaluated 2026-03-17.

Conditions:
SPG11-related disorder. Also called: SPG11-related condition.
Hereditary spastic paraplegia 11. Also called: Spastic Paraplegia 11; Spastic paraplegia, mental retardation and thin corpus callosum; SPASTIC PARAPLEGIA, AUTOSOMAL RECESSIVE, COMPLICATED, WITH THIN CORPUS CALLOSUM; SPASTIC PARAPLEGIA, AUTOSOMAL RECESSIVE, WITH MENTAL IMPAIRMENT AND THIN CORPUS CALLOSUM; Nakamura Osame syndrome; Autosomal recessive hereditary spastic paraplegia, mental impairment, and thin corpus callosum. Identifiers: Orphanet 2822, MedGen C1858479, MONDO:0011445, OMIM 604360.
Inborn genetic diseases. Identifiers: MedGen C0950123, MeSH D030342.

Allele frequency attached by ClinVar (database versions not stated): gnomAD 0.00001; gnomAD exomes 0.00001 and 0.00002; TOPMed 0.00001; ExAC 0.00002; ESP Exome Variant Server 0.00008.
gnomAD v4.1: 8 of 1,614,100 alleles (0.0005%); highest among the groups gnomAD compares: Non-Finnish European, 0.00068%; no homozygotes.

Submissions (3):

PreventionGenetics, part of Exact Sciences
Classification: Uncertain significance for SPG11-related condition. Last evaluated: 2026-03-17. Review status: criteria provided, single submitter. Criteria: ACMG Guidelines, 2015. Collection method: clinical testing. Allele origin: germline.
Comment: The SPG11 c.5564T>C variant is predicted to result in the amino acid substitution p.Leu1855Ser. To our knowledge, this variant has not been reported in the literature. This variant is reported in 0.0035% of alleles in individuals of European (Non-Finnish) descent in gnomAD. At this time, the clinical significance of this variant is uncertain due to the absence of conclusive functional and genetic evidence.

Labcorp Genetics (formerly Invitae), Labcorp
Classification: Uncertain significance for Hereditary spastic paraplegia 11. Last evaluated: 2021-10-08. Review status: criteria provided, single submitter. Criteria: Invitae Variant Classification Sherloc (09022015). Collection method: clinical testing. Allele origin: germline.
Comment: This sequence change replaces leucine with serine at codon 1855 of the SPG11 protein (p.Leu1855Ser). The leucine residue is highly conserved and there is a large physicochemical difference between leucine and serine. This variant is present in population databases (rs138009927, ExAC 0.004%). This variant has not been reported in the literature in individuals affected with SPG11-related conditions. Advanced modeling of protein sequence and biophysical properties (such as structural, functional, and spatial information, amino acid conservation, physicochemical variation, residue mobility, and thermodynamic stability) performed at Invitae indicates that this missense variant is expected to disrupt SPG11 protein function. In summary, the available evidence is currently insufficient to determine the role of this variant in disease. Therefore, it has been classified as a Variant of Uncertain Significance.

Ambry Genetics
Classification: Uncertain significance for Inborn genetic diseases. Last evaluated: 2021-05-04. Review status: criteria provided, single submitter. Criteria: Ambry Variant Classification Scheme 2023. Collection method: clinical testing. Allele origin: germline.
Comment: The p.L1855S variant (also known as c.5564T>C), located in coding exon 30 of the SPG11 gene, results from a T to C substitution at nucleotide position 5564. The leucine at codon 1855 is replaced by serine, an amino acid with dissimilar properties. This amino acid position is highly conserved in available vertebrate species. In addition, this alteration is predicted to be deleterious by in silico analysis. Since supporting evidence is limited at this time, the clinical significance of this alteration remains unclear.

NM_025137.4(SPG11):c.5564T>C (p.Leu1855Ser)

Gene: SPG11 (SPG11 vesicle trafficking associated, spatacsin; minus strand). Cytogenetic location: 15q21.1.
Variant type: single nucleotide variant.
Coding change: c.5564T>C on transcript NM_025137.4 (MANE Select); coding-DNA position 5564, T replaced by C.
Protein change: p.Leu1855Ser; replaces leucine 1855 with serine.
Molecular consequence: missense variant.
Genome position (GRCh38, 1-based): chr15:44,584,116, A>G on the plus strand (T>C on the coding strand, the complement: SPG11 is on the minus strand). VCF-style: chr15-44584116-A-G. GRCh37 (hg19) VCF-style: chr15-44876314-A-G.
Other names: c.5564T>C, p.Leu1855Ser (NM_001160227.2); short protein forms L1855S.
Identifiers: ClinVar variation 1358368 (VCV001358368.6), dbSNP rs138009927, ClinGen allele CA7534388.